The following is an entry in ClinVar:

NM_130839.5(UBE3A):c.1182T>C (p.Asp394=)

Genes: SNHG14 (small nucleolar RNA host gene 14; plus strand), UBE3A (ubiquitin protein ligase E3A; minus strand). Cytogenetic location: 15q11.2.
Variant type: single nucleotide variant.
Coding change: c.1182T>C on transcript NM_130839.5 (MANE Select); coding-DNA position 1182, T replaced by C.
Protein change: p.Asp394=; no amino-acid change (aspartic acid 394 retained).
Molecular consequence: synonymous variant. On other transcripts: non-coding transcript variant (1), intron variant (2).
Genome position (GRCh38, 1-based): chr15:25,370,992, A>G on the plus strand (T>C on the coding strand, the complement: UBE3A is on the minus strand). VCF-style: chr15-25370992-A-G. GRCh37 (hg19) VCF-style: chr15-25616139-A-G.
Other names: c.1191T>C, p.Asp397= (NM_000462.5); c.1182T>C, p.Asp394= (NM_001354505.1, NM_001354538.2, NM_001354545.2); c.1122T>C, p.Asp374= (NM_001354506.2, NM_001354507.2, NM_001354508.2 and 17 more transcripts); c.1005T>C, p.Asp335= (NM_001354546.2); c.301+4473T>C (NM_001354551.2); c.361+4473T>C (NM_001354550.2).
Identifiers: ClinVar variation 4983692 (VCV004983692.1).

ClinVar aggregate classification (germline): Likely benign (1 of 4 stars; one submission).

Conditions:
UBE3A-related disorder. Also called: UBE3A-related condition.

Submission:

PreventionGenetics, part of Exact Sciences
Classification: Likely benign for UBE3A-related condition. Last evaluated: 2024-11-15. Review status: criteria provided, single submitter. Criteria: ACMG Guidelines, 2015. Collection method: clinical testing. Allele origin: germline.
Comment: This variant is classified as likely benign based on ACMG/AMP sequence variant interpretation guidelines (Richards et al. 2015 PMID: 25741868, with internal and published modifications).